The following is an entry in ClinVar:

ClinVar aggregate classification (germline): Benign (1 of 4 stars; one submission).

Allele frequency attached by ClinVar (database versions not stated): gnomAD 0.19267 and 0.20062; TOPMed 0.20892; 1000 Genomes Project 30x 0.25812; 1000 Genomes Project 0.27017.
gnomAD v4.1: 30,517 of 152,182 alleles (20%); highest among the groups gnomAD compares: East Asian, 59%; 3,686 homozygotes.

Submission:

GeneDx
Classification: Benign. Last evaluated: 2018-06-19. Review status: criteria provided, single submitter. Criteria: GeneDx Variant Classification (06012015). Collection method: clinical testing. Allele origin: germline. Affected: yes.
Comment: This variant is considered likely benign or benign based on one or more of the following criteria: it is a conservative change, it occurs at a poorly conserved position in the protein, it is predicted to be benign by multiple in silico algorithms, and/or has population frequency not consistent with disease.

NM_001271.4(CHD2):c.3237+285C>T

Gene: CHD2 (chromodomain helicase DNA binding protein 2; plus strand). Cytogenetic location: 15q26.1.
Variant type: single nucleotide variant.
Coding change: c.3237+285C>T on transcript NM_001271.4 (MANE Select); 285 bases into the intron after coding-DNA position 3237, C replaced by T.
Molecular consequence: intron variant.
Genome position (GRCh38, 1-based): chr15:92,984,785, C>T. VCF-style: chr15-92984785-C-T. GRCh37 (hg19) VCF-style: chr15-93528015-C-T.
Identifiers: ClinVar variation 668780 (VCV000668780.1), dbSNP rs12592212, ClinGen allele CA15834903.